The following is an entry in ClinVar:

NM_001845.6(COL4A1):c.3584G>C (p.Gly1195Ala)

Gene: COL4A1 (collagen type IV alpha 1 chain; minus strand). Cytogenetic location: 13q34.
Variant type: single nucleotide variant.
Coding change: c.3584G>C on transcript NM_001845.6 (MANE Select); coding-DNA position 3584, G replaced by C.
Protein change: p.Gly1195Ala; replaces glycine 1195 with alanine.
Molecular consequence: missense variant.
Genome position (GRCh38, 1-based): chr13:110,170,705, C>G on the plus strand (G>C on the coding strand, the complement: COL4A1 is on the minus strand). VCF-style: chr13-110170705-C-G. GRCh37 (hg19) VCF-style: chr13-110823052-C-G.
Other names: short protein forms G1195A.
Identifiers: ClinVar variation 1317060 (VCV001317060.7), dbSNP rs2139156261, ClinGen allele CA388663394.

ClinVar aggregate classification (germline): Likely pathogenic. Review status: criteria provided, multiple submitters, no conflicts (2 of 4 stars). 2 submissions from 2 submitters: Likely pathogenic (2). Last evaluated 2023-06-29.

Allele frequency attached by ClinVar (database versions not stated): gnomAD exomes below 0.00001.

Submissions (2):

Labcorp Genetics (formerly Invitae), Labcorp
Classification: Likely pathogenic. Last evaluated: 2023-06-29. Review status: criteria provided, single submitter. Criteria: Invitae Variant Classification Sherloc (09022015). Collection method: clinical testing. Allele origin: germline.
Comment: In summary, the currently available evidence indicates that the variant is pathogenic, but additional data are needed to prove that conclusively. Therefore, this variant has been classified as Likely Pathogenic. This variant disrupts the triple helix domain of COL4A1. Glycine residues within the Gly-Xaa-Yaa repeats of the triple helix domain are required for the structure and stability of fibrillar collagens (PMID: 7695699, 8218237, 19344236). In COL4A1 variants affecting these glycine residues are significantly enriched in individuals with disease (PMID: 9016532, 17078022) compared to the general population (ExAC). An algorithm developed to predict the effect of missense changes on protein structure and function (PolyPhen-2) suggests that this variant is likely to be disruptive. ClinVar contains an entry for this variant (Variation ID: 1317060). This variant has not been reported in the literature in individuals affected with COL4A1-related conditions. This variant is not present in population databases (gnomAD no frequency). This sequence change replaces glycine, which is neutral and non-polar, with alanine, which is neutral and non-polar, at codon 1195 of the COL4A1 protein (p.Gly1195Ala).

GeneDx
Classification: Likely pathogenic. Last evaluated: 2022-04-27. Review status: criteria provided, single submitter. Criteria: GeneDx Variant Classification Process June 2021. Collection method: clinical testing. Allele origin: germline. Affected: yes.
Comment: Affects a glycine residue in a Gly-X-Y motif in the triple helical region of the COL4A1 gene, where the majority of pathogenic missense variants occur, and is predicted to disrupt normal protein folding and function (Stenson et al., 2014; Weng et al., 2012; Yoneda et al., 2013); Not observed at significant frequency in large population cohorts (gnomAD); In silico analysis, which includes protein predictors and evolutionary conservation, supports a deleterious effect; Has not been previously published as pathogenic or benign to our knowledge; This variant is associated with the following publications: (PMID: 24077912, 22522439, 23225343)

Literature cited by the submitters: PubMed 7695699 (cited by Labcorp Genetics (formerly Invitae), Labcorp); PubMed 8218237 (cited by Labcorp Genetics (formerly Invitae), Labcorp); PubMed 19344236 (cited by Labcorp Genetics (formerly Invitae), Labcorp); PubMed 9016532 (cited by Labcorp Genetics (formerly Invitae), Labcorp); PubMed 17078022 (cited by Labcorp Genetics (formerly Invitae), Labcorp).